The following is an entry in ClinVar:

NM_018026.4(PACS1):c.478G>A (p.Val160Ile)

Gene: PACS1 (phosphofurin acidic cluster sorting protein 1; plus strand). Cytogenetic location: 11q13.2.
Variant type: single nucleotide variant.
Coding change: c.478G>A on transcript NM_018026.4 (MANE Select); coding-DNA position 478, G replaced by A.
Protein change: p.Val160Ile; replaces valine 160 with isoleucine.
Molecular consequence: missense variant.
Genome position (GRCh38, 1-based): chr11:66,210,395, G>A. VCF-style: chr11-66210395-G-A. GRCh37 (hg19) VCF-style: chr11-65977866-G-A.
Other names: short protein forms V160I.
Identifiers: ClinVar variation 2160141 (VCV002160141.5), dbSNP rs774280741, ClinGen allele CA6116266.

ClinVar aggregate classification (germline): Conflicting classifications of pathogenicity. Review status: criteria provided, conflicting classifications (1 of 4 stars). 2 submissions from 2 submitters: Uncertain significance (1); Likely benign (1). Last evaluated 2026-09-01.

Conditions:
Schuurs-Hoeijmakers syndrome. Also called: PACS1-Related Neurodevelopmental Disorder. Identifiers: Orphanet 329224, MedGen C3554343, MONDO:0014006, OMIM 615009.

Allele frequency attached by ClinVar (database versions not stated): ExAC 0.00001; gnomAD exomes 0.00001; TOPMed 0.00002; gnomAD 0.00003.
gnomAD v4.1: 19 of 1,613,906 alleles (0.0012%); highest among the groups gnomAD compares: East Asian, 0.0022%; no homozygotes.

Submissions (2):

CeGaT Center for Human Genetics Tuebingen
Classification: Likely benign. Last evaluated: 2026-09-01. Review status: criteria provided, single submitter. Criteria: CeGaT Center For Human Genetics Tuebingen Variant Classification Criteria Version 2. Collection method: clinical testing. Allele origin: germline. Affected: yes. Observed: 1 variant allele.
Comment: PACS1: PP2, BP4, BS2

Labcorp Genetics (formerly Invitae), Labcorp
Classification: Uncertain significance for Schuurs-Hoeijmakers syndrome. Last evaluated: 2024-07-19. Review status: criteria provided, single submitter. Criteria: Invitae Variant Classification Sherloc (09022015). Collection method: clinical testing. Allele origin: germline.
Comment: This sequence change replaces valine, which is neutral and non-polar, with isoleucine, which is neutral and non-polar, at codon 160 of the PACS1 protein (p.Val160Ile). This variant is present in population databases (rs774280741, gnomAD 0.005%). This variant has not been reported in the literature in individuals affected with PACS1-related conditions. Advanced modeling of protein sequence and biophysical properties (such as structural, functional, and spatial information, amino acid conservation, physicochemical variation, residue mobility, and thermodynamic stability) performed at Invitae indicates that this missense variant is not expected to disrupt PACS1 protein function with a negative predictive value of 80%. In summary, the available evidence is currently insufficient to determine the role of this variant in disease. Therefore, it has been classified as a Variant of Uncertain Significance.